The following is an entry in ClinVar:

ClinVar aggregate classification (germline): Uncertain significance (1 of 4 stars; one submission).

Conditions:
TNF receptor-associated periodic fever syndrome (TRAPS) (FPF). Also called: Autosomal Dominant Familial Periodic Fever; FAMILIAL HIBERNIAN FEVER; TNF RECEPTOR-ASSOCIATED PERIODIC SYNDROME; TUMOR NECROSIS FACTOR RECEPTOR-ASSOCIATED PERIODIC SYNDROME; TNF Receptor-Associated Periodic Fever Syndrome; TNF receptor 1-associated periodic fever syndrome. Identifiers: Orphanet 32960, MedGen C1275126, MONDO:0007727, OMIM 142680.

Submission:

Labcorp Genetics (formerly Invitae), Labcorp
Classification: Uncertain significance for TNF receptor-associated periodic fever syndrome (TRAPS). Last evaluated: 2021-08-12. Review status: criteria provided, single submitter. Criteria: Invitae Variant Classification Sherloc (09022015). Collection method: clinical testing. Allele origin: germline.
Comment: This sequence change replaces cysteine with serine at codon 195 of the TNFRSF1A protein (p.Cys195Ser). The cysteine residue is highly conserved and there is a moderate physicochemical difference between cysteine and serine. This variant is not present in population databases (ExAC no frequency). This variant has not been reported in the literature in individuals affected with TNFRSF1A-related conditions. Algorithms developed to predict the effect of missense changes on protein structure and function (SIFT, PolyPhen-2, Align-GVGD) all suggest that this variant is likely to be disruptive. In summary, the available evidence is currently insufficient to determine the role of this variant in disease. Therefore, it has been classified as a Variant of Uncertain Significance.

NM_001065.4(TNFRSF1A):c.584G>C (p.Cys195Ser)

Gene: TNFRSF1A (TNF receptor superfamily member 1A; minus strand). Cytogenetic location: 12p13.31.
Variant type: single nucleotide variant.
Coding change: c.584G>C on transcript NM_001065.4 (MANE Select); coding-DNA position 584, G replaced by C.
Protein change: p.Cys195Ser; replaces cysteine 195 with serine.
Molecular consequence: missense variant.
Genome position (GRCh38, 1-based): chr12:6,330,894, C>G on the plus strand (G>C on the coding strand, the complement: TNFRSF1A is on the minus strand). VCF-style: chr12-6330894-C-G. GRCh37 (hg19) VCF-style: chr12-6440060-C-G.
Other names: c.260G>C, p.Cys87Ser (NM_001346091.2); c.125G>C, p.Cys42Ser (NM_001346092.2); short protein forms C42S, C87S, C195S.
Identifiers: ClinVar variation 1477611 (VCV001477611.6), dbSNP rs2136817796, ClinGen allele CA383548083.